The following is an entry in ClinVar:

NM_002074.5(GNB1):c.145A>G (p.Arg49Gly)

Gene: GNB1 (G protein subunit beta 1; minus strand). Cytogenetic location: 1p36.33.
Variant type: single nucleotide variant.
Coding change: c.145A>G on transcript NM_002074.5 (MANE Select); coding-DNA position 145, A replaced by G.
Protein change: p.Arg49Gly; replaces arginine 49 with glycine.
Molecular consequence: missense variant. On other transcripts: intron variant (1).
Genome position (GRCh38, 1-based): chr1:1,815,814, T>C on the plus strand (A>G on the coding strand, the complement: GNB1 is on the minus strand). VCF-style: chr1-1815814-T-C. GRCh37 (hg19) VCF-style: chr1-1747253-T-C.
Other names: c.145A>G, p.Arg49Gly (NM_001282539.2); c.-97-9276A>G (NM_001282538.2); short protein forms R49G.
Identifiers: ClinVar variation 3769815 (VCV003769815.2).

ClinVar aggregate classification (germline): Uncertain significance. Review status: criteria provided, multiple submitters, no conflicts (2 of 4 stars). 2 submissions from 2 submitters: Uncertain significance (2). Last evaluated 2024-09-13.

Conditions:
Intellectual developmental disorder, autosomal dominant 42. Also called: GNB1 Encephalopathy; Intellectual disability, autosomal dominant 42; Global developmental delay-neuro-ophthalmological abnormalities-seizures-intellectual disability syndrome. Identifiers: Orphanet 488613, MedGen C4310774, MONDO:0014855, OMIM 616973.

Submissions (2):

GeneDx
Classification: Uncertain significance. Last evaluated: 2024-09-13. Review status: criteria provided, single submitter. Criteria: GeneDx Variant Classification Process June 2021. Collection method: clinical testing. Allele origin: germline. Affected: yes.
Comment: Not observed at significant frequency in large population cohorts (gnomAD); In silico analysis supports that this missense variant has a deleterious effect on protein structure/function; Has not been previously published as pathogenic or benign to our knowledge

3billion
Classification: Uncertain significance for Intellectual developmental disorder, autosomal dominant 42. Last evaluated: 2023-12-30. Review status: criteria provided, single submitter. Criteria: ACMG Guidelines, 2015. Collection method: clinical testing. Allele origin: germline. Affected: yes.
Comment: The variant is not observed in the gnomAD v2.1.1 dataset. Predicted Consequence/Location: Missense changes are a common disease-causing mechanism. In silico tool predictions suggest damaging effect of the variant on gene or gene product [REVEL: 0.40 (>=0.6, sensitivity 0.68 and specificity 0.92); 3Cnet: 0.94 (>=0.6, sensitivity 0.72 and precision 0.9)]. Therefore, this variant is classified as VUS according to the recommendation of ACMG/AMP guideline.